The following is an entry in ClinVar:

ClinVar aggregate classification (germline): Pathogenic/Likely pathogenic. Review status: criteria provided, multiple submitters, no conflicts (2 of 4 stars). 4 submissions from 4 submitters: Pathogenic (2); Likely pathogenic (2). Last evaluated 2024-11-02.

Conditions:
Autosomal recessive nonsyndromic hearing loss 3. Also called: NEUROSENSORY NONSYNDROMIC RECESSIVE DEAFNESS 3. Identifiers: Orphanet 90636, MedGen C1838263, MONDO:0010860, OMIM 600316.

Submissions (4):

ENT and Head and Neck Research Center and Department,  The Five Senses Health Institute, Iran University of Medical Sciences
Classification: Pathogenic for Autosomal recessive nonsyndromic hearing loss 3. Last evaluated: 2024-11-02. Review status: criteria provided, single submitter. Criteria: ClinGen HL ACMG Specifications v1. Collection method: clinical testing. Allele origin: germline. Affected: yes.
Comment: PM1: Hot-spot of length 18 amino-acids has 9 missense/in-frame variants (4 pathogenic variants, 5 uncertain variants and no benign), which qualifies as moderate pathogenic., PM2: Variant not found in gnomAD genomes, good gnomAD genomes coverage = 32.3, PM4: Protein coding length changes as a result of in frame variant in gene MYO15A, and this variant is not located in a repeat region., PM3: For recessive disorders, identifying a variant in trans, PP5: Combined evidence strength is Supporting (score = 1).Supporting: ClinVar classifies this variant as Pathogenic, 2 stars (reviewed Aug '24, 2 submissions), citing 3 articles (34388253, 32747562 and 27344577).

Fulgent Genetics
Classification: Likely pathogenic for Autosomal recessive nonsyndromic hearing loss 3. Last evaluated: 2024-02-22. Review status: criteria provided, single submitter. Criteria: ACMG Guidelines, 2015. Collection method: clinical testing. Allele origin: germline.

Labcorp Genetics (formerly Invitae), Labcorp
Classification: Pathogenic. Last evaluated: 2022-06-05. Review status: criteria provided, single submitter. Criteria: Invitae Variant Classification Sherloc (09022015). Collection method: clinical testing. Allele origin: germline.
Comment: For these reasons, this variant has been classified as Pathogenic. ClinVar contains an entry for this variant (Variation ID: 493209). This variant is also known as c.8307_8309delGGA. This variant has been observed in individuals with hearing loss (PMID: 27344577, 32747562, 34388253; Invitae). It has also been observed to segregate with disease in related individuals. This variant is not present in population databases (gnomAD no frequency). This variant, c.8309_8311del, results in the deletion of 1 amino acid(s) of the MYO15A protein (p.Glu2770del), but otherwise preserves the integrity of the reading frame.

CeGaT Center for Human Genetics Tuebingen
Classification: Likely pathogenic. Last evaluated: 2017-07-01. Review status: criteria provided, single submitter. Criteria: CeGaT Center For Human Genetics Tuebingen Variant Classification Criteria Version 2. Collection method: clinical testing. Allele origin: germline. Affected: yes. Observed: 1 variant allele.

Literature cited by the submitters: DOI 10.1038/s41598-025-99417-7 (cited by ENT and Head and Neck Research Center and Department,  The Five Senses Health Institute, Iran University of Medical Sciences); PubMed 27344577 (cited by Labcorp Genetics (formerly Invitae), Labcorp); PubMed 32747562 (cited by Labcorp Genetics (formerly Invitae), Labcorp); PubMed 34388253 (cited by Labcorp Genetics (formerly Invitae), Labcorp).

NM_016239.4(MYO15A):c.8309_8311del (p.Glu2770del)

Gene: MYO15A (myosin XVA; plus strand). Cytogenetic location: 17p11.2.
Variant type: Deletion.
Coding change: c.8309_8311del on transcript NM_016239.4 (MANE Select); coding-DNA positions 8309 to 8311, 3 bases deleted (AGG; older notation c.8309_8311delAGG).
Protein change: p.Glu2770del; deletes glutamic acid 2770.
Molecular consequence: inframe deletion.
Genome position (GRCh38, 1-based): chr17:18,155,194-18,155,196, AGG deleted; deleting any 3 consecutive bases within chr17:18,155,192-18,155,196 gives the same sequence; the c. name uses the placement nearest the transcript's 3' end. VCF-style (leftmost placement, unchanged base first): chr17-18155191-GGGA-G. GRCh37 (hg19) VCF-style: chr17-18058505-GGGA-G.
Other names: c.8309_8311delAGG (NM_016239.4); short protein forms E2770del.
Identifiers: ClinVar variation 493209 (VCV000493209.49), dbSNP rs1555546699, ClinGen allele CA658684007.